The following is an entry in ClinVar:

ClinVar aggregate classification (germline): Conflicting classifications of pathogenicity. Review status: criteria provided, conflicting classifications (1 of 4 stars). 3 submissions from 3 submitters: Uncertain significance (2); Likely benign (1). Last evaluated 2026-07-26.

Conditions:
CD164-related disorder. Also called: CD164-related condition.

Allele frequency attached by ClinVar (database versions not stated): gnomAD exomes 0.00013; ExAC 0.00016; 1000 Genomes Project 30x 0.00031; 1000 Genomes Project 0.00040; ESP Exome Variant Server 0.00046.
gnomAD v4.1: 103 of 1,574,642 alleles (0.0065%); highest among the groups gnomAD compares: African/African-American, 0.11%; no homozygotes.

Submissions (3):

PreventionGenetics, part of Exact Sciences
Classification: Likely benign for CD164-related condition. Last evaluated: 2026-07-26. Review status: criteria provided, single submitter. Criteria: ACMG Guidelines, 2015. Collection method: clinical testing. Allele origin: germline.
Comment: This variant is classified as likely benign based on ACMG/AMP sequence variant interpretation guidelines (Richards et al. 2015 PMID: 25741868, with internal and published modifications).

Ambry Genetics
Classification: Uncertain significance. Last evaluated: 2025-08-05. Review status: criteria provided, single submitter. Criteria: Ambry Variant Classification Scheme 2023. Collection method: clinical testing. Allele origin: germline.

Labcorp Genetics (formerly Invitae), Labcorp
Classification: Uncertain significance. Last evaluated: 2024-04-25. Review status: criteria provided, single submitter. Criteria: Invitae Variant Classification Sherloc (09022015). Collection method: clinical testing. Allele origin: germline.
Comment: This sequence change replaces valine, which is neutral and non-polar, with leucine, which is neutral and non-polar, at codon 20 of the CD164 protein (p.Val20Leu). This variant is present in population databases (rs138925698, gnomAD 0.1%), and has an allele count higher than expected for a pathogenic variant. This variant has not been reported in the literature in individuals affected with CD164-related conditions. ClinVar contains an entry for this variant (Variation ID: 1467238). An algorithm developed to predict the effect of missense changes on protein structure and function (PolyPhen-2) suggests that this variant is likely to be disruptive. In summary, the available evidence is currently insufficient to determine the role of this variant in disease. Therefore, it has been classified as a Variant of Uncertain Significance.

NM_006016.6(CD164):c.58G>T (p.Val20Leu)

Gene: CD164 (CD164 molecule; minus strand). Cytogenetic location: 6q21.
Variant type: single nucleotide variant.
Coding change: c.58G>T on transcript NM_006016.6 (MANE Select); coding-DNA position 58, G replaced by T.
Protein change: p.Val20Leu; replaces valine 20 with leucine.
Molecular consequence: missense variant.
Genome position (GRCh38, 1-based): chr6:109,382,321, C>A on the plus strand (G>T on the coding strand, the complement: CD164 is on the minus strand). VCF-style: chr6-109382321-C-A. GRCh37 (hg19) VCF-style: chr6-109703524-C-A.
Other names: c.58G>T, p.Val20Leu (NM_001142401.3, NM_001142402.3, NM_001142403.3 and 1 more transcripts); c.58G>T (NM_006016.4, NM_006016.5); short protein forms V20L.
Identifiers: ClinVar variation 1467238 (VCV001467238.10), dbSNP rs138925698, ClinGen allele CA3951721.